The following is an entry in ClinVar:

NM_033380.3(COL4A5):c.136G>A (p.Glu46Lys)

Gene: COL4A5 (collagen type IV alpha 5 chain; plus strand). Cytogenetic location: Xq22.3.
Variant type: single nucleotide variant.
Coding change: c.136G>A on transcript NM_033380.3 (MANE Select); coding-DNA position 136, G replaced by A.
Protein change: p.Glu46Lys; replaces glutamic acid 46 with lysine.
Molecular consequence: missense variant.
Genome position (GRCh38, 1-based): chrX:108,539,800, G>A. VCF-style: chrX-108539800-G-A. GRCh37 (hg19) VCF-style: chrX-107783030-G-A.
Other names: c.136G>A, p.Glu46Lys (NM_000495.5); short protein forms E46K.
Identifiers: ClinVar variation 2721425 (VCV002721425.3), dbSNP rs762399773, ClinGen allele CA10488366.

ClinVar aggregate classification (germline): Uncertain significance (1 of 4 stars; one submission).

Allele frequency attached by ClinVar (database versions not stated): TOPMed below 0.00001; ExAC 0.00001; gnomAD 0.00001; gnomAD exomes 0.00001.
gnomAD v4.1: 11 of 1,198,579 alleles (0.00092%); highest among the groups gnomAD compares: South Asian, 0.0088%; no homozygotes.

Submission:

Labcorp Genetics (formerly Invitae), Labcorp
Classification: Uncertain significance. Last evaluated: 2024-01-08. Review status: criteria provided, single submitter. Criteria: Invitae Variant Classification Sherloc (09022015). Collection method: clinical testing. Allele origin: germline.
Comment: This sequence change replaces glutamic acid, which is acidic and polar, with lysine, which is basic and polar, at codon 46 of the COL4A5 protein (p.Glu46Lys). The frequency data for this variant in the population databases is considered unreliable, as metrics indicate poor data quality at this position in the gnomAD database. This variant has not been reported in the literature in individuals affected with COL4A5-related conditions. Advanced modeling of protein sequence and biophysical properties (such as structural, functional, and spatial information, amino acid conservation, physicochemical variation, residue mobility, and thermodynamic stability) performed at Invitae indicates that this missense variant is not expected to disrupt COL4A5 protein function with a negative predictive value of 95%. In summary, the available evidence is currently insufficient to determine the role of this variant in disease. Therefore, it has been classified as a Variant of Uncertain Significance.